The following is an entry in ClinVar:

ClinVar aggregate classification (germline): Uncertain significance. Review status: criteria provided, multiple submitters, no conflicts (2 of 4 stars). 3 submissions from 3 submitters: Uncertain significance (3). Last evaluated 2023-12-11.

Conditions:
Inborn genetic diseases. Identifiers: MedGen C0950123, MeSH D030342.
Congenital myasthenic syndrome 10. Also called: Myasthenia, limb-girdle, familial. Identifiers: Orphanet 590, MedGen C1850792, MONDO:0009690, OMIM 254300.
Fetal akinesia deformation sequence 1 (FADS1). Also called: Pena-Shokeir syndrome type I; Fetal akinesia sequence. Identifiers: Orphanet 994, MedGen C1276035, MONDO:0100101, OMIM 208150, HP:0001989.

Allele frequency attached by ClinVar (database versions not stated): TOPMed 0.00004.
gnomAD v4.1: 8 of 1,591,696 alleles (0.0005%); highest among the groups gnomAD compares: African/African-American, 0.0054%; no homozygotes.

Submissions (3):

Ambry Genetics
Classification: Uncertain significance for Inborn genetic diseases. Last evaluated: 2023-12-11. Review status: criteria provided, single submitter. Criteria: Ambry Variant Classification Scheme 2023. Collection method: clinical testing. Allele origin: germline.

Labcorp Genetics (formerly Invitae), Labcorp
Classification: Uncertain significance for Congenital myasthenic syndrome 10; Fetal akinesia deformation sequence 1. Last evaluated: 2022-07-05. Review status: criteria provided, single submitter. Criteria: Invitae Variant Classification Sherloc (09022015). Collection method: clinical testing. Allele origin: germline.
Comment: This sequence change replaces alanine, which is neutral and non-polar, with valine, which is neutral and non-polar, at codon 380 of the DOK7 protein (p.Ala380Val). The frequency data for this variant in the population databases is considered unreliable, as metrics indicate poor data quality at this position in the gnomAD database. This variant has not been reported in the literature in individuals affected with DOK7-related conditions. ClinVar contains an entry for this variant (Variation ID: 1047564). Algorithms developed to predict the effect of missense changes on protein structure and function output the following: SIFT: "Tolerated"; PolyPhen-2: "Benign"; Align-GVGD: "Class C0". The valine amino acid residue is found in multiple mammalian species, which suggests that this missense change does not adversely affect protein function. In summary, the available evidence is currently insufficient to determine the role of this variant in disease. Therefore, it has been classified as a Variant of Uncertain Significance.

Revvity Omics, Revvity
Classification: Uncertain significance. Last evaluated: 2019-02-14. Review status: criteria provided, single submitter. Criteria: ACMG Guidelines, 2015. Collection method: clinical testing. Allele origin: germline.

NM_173660.5(DOK7):c.1139C>T (p.Ala380Val)

Gene: DOK7 (docking protein 7; plus strand). Cytogenetic location: 4p16.3.
Variant type: single nucleotide variant.
Coding change: c.1139C>T on transcript NM_173660.5 (MANE Select); coding-DNA position 1139, C replaced by T.
Protein change: p.Ala380Val; replaces alanine 380 with valine.
Molecular consequence: missense variant. On other transcripts: 3 prime UTR variant (1).
Genome position (GRCh38, 1-based): chr4:3,493,125, C>T. VCF-style: chr4-3493125-C-T. GRCh37 (hg19) VCF-style: chr4-3494852-C-T.
Other names: c.*360C>T (NM_001164673.2); c.209C>T, p.Ala70Val (NM_001256896.2); c.1139C>T, p.Ala380Val (NM_001301071.2); c.707C>T, p.Ala236Val (NM_001363811.2); c.1139C>T (NM_173660.4); short protein forms A380V, A236V, A70V.
Identifiers: ClinVar variation 1047564 (VCV001047564.9), dbSNP rs766061571, ClinGen allele CA2829379.